The following is an entry in ClinVar:

ClinVar aggregate classification (germline): Uncertain significance (1 of 4 stars; one submission).

Conditions:
Ataxia-telangiectasia syndrome (AT). Also called: AT, COMPLEMENTATION GROUP C; LOUIS-BAR SYNDROME; Cerebello-oculocutaneous telangiectasia; Immunodeficiency with ataxia telangiectasia; ATAXIA-TELANGIECTASIA, COMPLEMENTATION GROUP A; ATAXIA-TELANGIECTASIA, FRESNO VARIANT. Identifiers: Orphanet 100, MedGen C0004135, MONDO:0008840, OMIM 208900.

Submission:

Labcorp Genetics (formerly Invitae), Labcorp
Classification: Uncertain significance for Ataxia-telangiectasia syndrome. Last evaluated: 2024-12-09. Review status: criteria provided, single submitter. Criteria: Invitae Variant Classification Sherloc (09022015). Collection method: clinical testing. Allele origin: germline.
Comment: This sequence change falls in intron 15 of the ATM gene. It does not directly change the encoded amino acid sequence of the ATM protein. It affects a nucleotide within the consensus splice site. This variant is not present in population databases (gnomAD no frequency). This variant has not been reported in the literature in individuals affected with ATM-related conditions. ClinVar contains an entry for this variant (Variation ID: 1899083). Variants that disrupt the consensus splice site are a relatively common cause of aberrant splicing (PMID: 17576681, 9536098). Algorithms developed to predict the effect of sequence changes on RNA splicing suggest that this variant is not likely to affect RNA splicing. In summary, the available evidence is currently insufficient to determine the role of this variant in disease. Therefore, it has been classified as a Variant of Uncertain Significance.

Literature cited by the submitters: PubMed 17576681; PubMed 9536098.

NM_000051.4(ATM):c.2376+5G>T

Gene: ATM (ATM serine/threonine kinase; plus strand). Cytogenetic location: 11q22.3.
Variant type: single nucleotide variant.
Coding change: c.2376+5G>T on transcript NM_000051.4 (MANE Select); 5 bases into the intron after coding-DNA position 2376, G replaced by T.
Molecular consequence: intron variant.
Genome position (GRCh38, 1-based): chr11:108,257,611, G>T. VCF-style: chr11-108257611-G-T. GRCh37 (hg19) VCF-style: chr11-108128338-G-T.
Other names: c.2376+5G>T (NM_001351834.2).
Identifiers: ClinVar variation 1899083 (VCV001899083.5), dbSNP rs2135408523, ClinGen allele CA2580083354.